The following is an entry in ClinVar:

NM_001102608.3(COL6A6):c.5644A>G (p.Thr1882Ala)

Gene: COL6A6 (collagen type VI alpha 6 chain; plus strand). Cytogenetic location: 3q22.1.
Variant type: single nucleotide variant.
Coding change: c.5644A>G on transcript NM_001102608.3 (MANE Select); coding-DNA position 5644, A replaced by G.
Protein change: p.Thr1882Ala; replaces threonine 1882 with alanine.
Molecular consequence: missense variant.
Genome position (GRCh38, 1-based): chr3:130,649,473, A>G. VCF-style: chr3-130649473-A-G. GRCh37 (hg19) VCF-style: chr3-130368317-A-G.
Other names: short protein forms T1882A.
Identifiers: ClinVar variation 786020 (VCV000786020.28), dbSNP rs201022773, ClinGen allele CA2613456.

ClinVar aggregate classification (germline): Likely benign. Review status: criteria provided, multiple submitters, no conflicts (2 of 4 stars). 2 submissions from 2 submitters: Likely benign (2). Last evaluated 2023-04-01.

Allele frequency attached by ClinVar (database versions not stated): gnomAD exomes 0.00037 and 0.00087; ExAC 0.00100; 1000 Genomes Project 30x 0.00125; 1000 Genomes Project 0.00140; gnomAD 0.00249 and 0.00268; ESP Exome Variant Server 0.00265; TOPMed 0.00293.
gnomAD v4.1: 941 of 1,610,888 alleles (0.058%); highest among the groups gnomAD compares: African/African-American, 0.87%; 5 homozygotes.

Submissions (2):

CeGaT Center for Human Genetics Tuebingen
Classification: Likely benign. Last evaluated: 2023-04-01. Review status: criteria provided, single submitter. Criteria: CeGaT Center For Human Genetics Tuebingen Variant Classification Criteria Version 2. Collection method: clinical testing. Allele origin: germline. Affected: yes. Observed: 1 variant allele.
Comment: COL6A6: BP4, BS2

Labcorp Genetics (formerly Invitae), Labcorp
Classification: Likely benign. Last evaluated: 2019-12-31. Review status: criteria provided, single submitter. Criteria: Invitae Variant Classification Sherloc (09022015). Collection method: clinical testing. Allele origin: germline.